The following is an entry in ClinVar:

ClinVar aggregate classification (germline): Uncertain significance. Review status: criteria provided, multiple submitters, no conflicts (2 of 4 stars). 2 submissions from 2 submitters: Uncertain significance (2). Last evaluated 2025-12-09.

Conditions:
Inborn genetic diseases. Identifiers: MedGen C0950123, MeSH D030342.

Allele frequency attached by ClinVar (database versions not stated): 1000 Genomes Project 0.00020; 1000 Genomes Project 30x 0.00031.
gnomAD v4.1: 22 of 1,602,446 alleles (0.0014%); highest among the groups gnomAD compares: Admixed American, 0.0086%; no homozygotes.

Submissions (2):

Labcorp Genetics (formerly Invitae), Labcorp
Classification: Uncertain significance. Last evaluated: 2025-12-09. Review status: criteria provided, single submitter. Criteria: Invitae Variant Classification Sherloc (09022015). Collection method: clinical testing. Allele origin: germline.
Comment: This sequence change replaces tyrosine, which is neutral and polar, with histidine, which is basic and polar, at codon 302 of the PNPT1 protein (p.Tyr302His). This variant is present in population databases (rs187922600, gnomAD 0.006%). This variant has not been reported in the literature in individuals affected with PNPT1-related conditions. ClinVar contains an entry for this variant (Variation ID: 1397165). Invitae Evidence Modeling of protein sequence and biophysical properties (such as structural, functional, and spatial information, amino acid conservation, physicochemical variation, residue mobility, and thermodynamic stability) indicates that this missense variant is not expected to disrupt PNPT1 protein function with a negative predictive value of 95%. In summary, the available evidence is currently insufficient to determine the role of this variant in disease. Therefore, it has been classified as a Variant of Uncertain Significance.

Ambry Genetics
Classification: Uncertain significance for Inborn genetic diseases. Last evaluated: 2021-08-13. Review status: criteria provided, single submitter. Criteria: Ambry Variant Classification Scheme 2023. Collection method: clinical testing. Allele origin: germline.

NM_033109.5(PNPT1):c.904T>C (p.Tyr302His)

Gene: PNPT1 (polyribonucleotide nucleotidyltransferase 1; minus strand). Cytogenetic location: 2p16.1.
Variant type: single nucleotide variant.
Coding change: c.904T>C on transcript NM_033109.5 (MANE Select); coding-DNA position 904, T replaced by C.
Protein change: p.Tyr302His; replaces tyrosine 302 with histidine.
Molecular consequence: missense variant.
Genome position (GRCh38, 1-based): chr2:55,672,009, A>G on the plus strand (T>C on the coding strand, the complement: PNPT1 is on the minus strand). VCF-style: chr2-55672009-A-G. GRCh37 (hg19) VCF-style: chr2-55899144-A-G.
Other names: c.904T>C (NM_033109.3); short protein forms Y302H.
Identifiers: ClinVar variation 1397165 (VCV001397165.8), dbSNP rs187922600, ClinGen allele CA1668307.